The following is an entry in ClinVar:

NM_015378.4(VPS13D):c.669+1G>A

Gene: VPS13D (vacuolar protein sorting 13 homolog D; plus strand). Cytogenetic location: 1p36.22.
Variant type: single nucleotide variant.
Coding change: c.669+1G>A on transcript NM_015378.4 (MANE Select); the canonical splice donor site of the intron after coding-DNA position 669, G replaced by A.
Molecular consequence: splice donor variant.
Genome position (GRCh38, 1-based): chr1:12,253,827, G>A. VCF-style: chr1-12253827-G-A. GRCh37 (hg19) VCF-style: chr1-12313884-G-A.
Other names: c.669+1G>A (NM_018156.4).
Identifiers: ClinVar variation 3663187 (VCV003663187.3).
Genomic context (GRCh38, chr1:12,253,827, plus strand): 5'-AGCATCTATTGGGATGTCGATTGCACTTTACTGGGGGATTTGCCTCAGATGGAGTTACAG[G>A]TACGATTTCGGCAGGGAGATTTGTTGCAAGACAGCATGGAAGGGAAGCGGCGTAGGGTCA-3'

ClinVar aggregate classification (germline): Likely pathogenic (1 of 4 stars; one submission).

Submissions (2):

Labcorp Genetics (formerly Invitae), Labcorp
Classification: Likely pathogenic. Last evaluated: 2024-11-01. Review status: criteria provided, single submitter. Criteria: Invitae Variant Classification Sherloc (09022015). Collection method: clinical testing. Allele origin: germline.
Comment: This sequence change affects a donor splice site in intron 7 of the VPS13D gene. It is expected to disrupt RNA splicing. Variants that disrupt the donor or acceptor splice site typically lead to a loss of protein function (PMID: 16199547), and loss-of-function variants in VPS13D are known to be pathogenic (PMID: 29518281). The frequency data for this variant in the population databases is considered unreliable, as metrics indicate poor data quality at this position in the gnomAD database. This variant has not been reported in the literature in individuals affected with VPS13D-related conditions. Algorithms developed to predict the effect of sequence changes on RNA splicing suggest that this variant may disrupt the consensus splice site. In summary, the currently available evidence indicates that the variant is pathogenic, but additional data are needed to prove that conclusively. Therefore, this variant has been classified as Likely Pathogenic.

Dr. Peter K. Rogan Lab, Western University
No classification provided (evidence only). Condition: Clear cell carcinoma of kidney. Review status: no classification provided. Collection method: in vitro. Allele origin: not applicable. Functional consequence: retained intron. Not counted in ClinVar's aggregate classification.

Literature cited by the submitters: PubMed 16199547 (cited by Labcorp Genetics (formerly Invitae), Labcorp); PubMed 29518281 (cited by Labcorp Genetics (formerly Invitae), Labcorp).